The following is an entry in ClinVar:

NM_002336.3(LRP6):c.3527A>C (p.Glu1176Ala)

Gene: LRP6 (LDL receptor related protein 6; minus strand). Cytogenetic location: 12p13.2.
Variant type: single nucleotide variant.
Coding change: c.3527A>C on transcript NM_002336.3 (MANE Select); coding-DNA position 3527, A replaced by C.
Protein change: p.Glu1176Ala; replaces glutamic acid 1176 with alanine.
Molecular consequence: missense variant.
Genome position (GRCh38, 1-based): chr12:12,138,405, T>G on the plus strand (A>C on the coding strand, the complement: LRP6 is on the minus strand). VCF-style: chr12-12138405-T-G. GRCh37 (hg19) VCF-style: chr12-12291339-T-G.
Other names: short protein forms E1176A.
Identifiers: ClinVar variation 1321109 (VCV001321109.7), dbSNP rs145672862, ClinGen allele CA6455184.
Genomic context (GRCh38, chr12:12,138,405, plus strand): 5'-TCCTTTACTGCATGAATGTCACTAAGCTGGGCAATTCGAGCTTGGACTTTGGTTCTACCC[T>G]CTCGACCTGTCATGTCAATTTTTTCAATCATTTGCTGCTGTTTATCAATCCAATAGAGCC-3'
Protein context (NP_002327.2, residues 1166-1186): MIEKIDMTGR[Glu1176Ala]GRTKVQARIA

ClinVar aggregate classification (germline): Uncertain significance. Review status: criteria provided, multiple submitters, no conflicts (2 of 4 stars). 2 submissions from 2 submitters: Uncertain significance (2). Last evaluated 2025-11-25.

Allele frequency attached by ClinVar (database versions not stated): ExAC 0.00015; gnomAD exomes 0.00016 and 0.00051; TOPMed 0.00022; gnomAD 0.00028 and 0.00029; ESP Exome Variant Server 0.00031.
gnomAD v4.1: 772 of 1,614,172 alleles (0.048%); highest among the groups gnomAD compares: Non-Finnish European, 0.063%; 1 homozygote.

Submissions (2):

GeneDx
Classification: Uncertain significance. Last evaluated: 2025-11-25. Review status: criteria provided, single submitter. Criteria: GeneDx Variant Classification Process June 2021. Collection method: clinical testing. Allele origin: germline. Affected: yes.
Comment: In silico analysis suggests that this missense variant does not alter protein structure/function; Has not been previously published as pathogenic or benign to our knowledge

Labcorp Genetics (formerly Invitae), Labcorp
Classification: Uncertain significance. Last evaluated: 2025-10-24. Review status: criteria provided, single submitter. Criteria: Invitae Variant Classification Sherloc (09022015). Collection method: clinical testing. Allele origin: germline.
Comment: This sequence change replaces glutamic acid, which is acidic and polar, with alanine, which is neutral and non-polar, at codon 1176 of the LRP6 protein (p.Glu1176Ala). This variant is present in population databases (rs145672862, gnomAD 0.03%), and has an allele count higher than expected for a pathogenic variant. This variant has not been reported in the literature in individuals affected with LRP6-related conditions. ClinVar contains an entry for this variant (Variation ID: 1321109). Invitae Evidence Modeling of protein sequence and biophysical properties (such as structural, functional, and spatial information, amino acid conservation, physicochemical variation, residue mobility, and thermodynamic stability) indicates that this missense variant is not expected to disrupt LRP6 protein function with a negative predictive value of 80%. In summary, the available evidence is currently insufficient to determine the role of this variant in disease. Therefore, it has been classified as a Variant of Uncertain Significance.